The following is an entry in ClinVar:

ClinVar aggregate classification (germline): Uncertain significance (1 of 4 stars; one submission).

Conditions:
Pancreatic adenocarcinoma. Identifiers: MedGen C0281361, MONDO:0006047, HP:0006725.

gnomAD v4.1: 1 of 1,613,926 alleles (0.000062%); highest among the groups gnomAD compares: South Asian, 0.0011%; no homozygotes.

Submission:

Labcorp Genetics (formerly Invitae), Labcorp
Classification: Uncertain significance for Pancreatic adenocarcinoma. Last evaluated: 2026-01-11. Review status: criteria provided, single submitter. Criteria: Invitae Variant Classification Sherloc (09022015). Collection method: clinical testing. Allele origin: germline.
Comment: This sequence change replaces valine, which is neutral and non-polar, with methionine, which is neutral and non-polar, at codon 549 of the PALLD protein (p.Val549Met). This variant is not present in population databases (gnomAD no frequency). This variant has not been reported in the literature in individuals affected with PALLD-related conditions. An algorithm developed to predict the effect of missense changes on protein structure and function outputs the following: PolyPhen-2: "Probably Damaging". The methionine amino acid residue is found in multiple mammalian species, which suggests that this missense change does not adversely affect protein function. In summary, the available evidence is currently insufficient to determine the role of this variant in disease. Therefore, it has been classified as a Variant of Uncertain Significance.

NM_001166108.2(PALLD):c.3157G>A (p.Val1053Met)

Genes: CBR4 (carbonyl reductase 4; minus strand), PALLD (palladin, cytoskeletal associated protein; plus strand). Cytogenetic location: 4q32.3.
Variant type: single nucleotide variant.
Coding change: c.3157G>A on transcript NM_001166108.2 (MANE Select); coding-DNA position 3157, G replaced by A.
Protein change: p.Val1053Met; replaces valine 1053 with methionine.
Molecular consequence: missense variant.
Genome position (GRCh38, 1-based): chr4:168,924,353, G>A. VCF-style: chr4-168924353-G-A. GRCh37 (hg19) VCF-style: chr4-169845504-G-A.
Other names: c.1960G>A, p.Val654Met (NM_001166109.2); c.1645G>A, p.Val549Met (NM_001166110.2); c.985G>A, p.Val329Met (NM_001367567.1, NM_001367569.1); c.1036G>A, p.Val346Met (NM_001367568.1, NM_001367570.1); c.3106G>A, p.Val1036Met (NM_016081.4); short protein forms V1036M, V329M, V346M, V549M, V1053M, V654M.
Identifiers: ClinVar variation 4746303 (VCV004746303.1).